The following is an entry in ClinVar:

ClinVar aggregate classification (germline): Uncertain significance (1 of 4 stars; one submission).

Submission:

ARUP Laboratories, Molecular Genetics and Genomics, ARUP Laboratories
Classification: Uncertain significance. Last evaluated: 2024-10-15. Review status: criteria provided, single submitter. Criteria: ARUP Molecular Germline Variant Investigation Process 2024. Collection method: clinical testing. Allele origin: germline.
Comment: The HBA1 c.95+3G>A variant, to our knowledge, is not reported in the medical literature or gene specific databases. This variant is also absent from the Genome Aggregation Database (v2.1.1), indicating it is not a common polymorphism. This is an intronic variant in a moderately conserved nucleotide, and computational analyses (Alamut v.2.11) predict that this variant does not alter splicing. However, given the lack of clinical and functional data, the significance of this variant is uncertain at this time.

NM_000558.5(HBA1):c.95+3G>A

Genes: HBA1 (hemoglobin subunit alpha 1; plus strand), LOC106804613 (hemoglobin subunit alpha 1 recombination region; plus strand). Cytogenetic location: 16p13.3.
Variant type: single nucleotide variant.
Coding change: c.95+3G>A on transcript NM_000558.5 (MANE Select); 3 bases into the intron after coding-DNA position 95, G replaced by A.
Molecular consequence: intron variant.
Genome position (GRCh38, 1-based): chr16:176,814, G>A. VCF-style: chr16-176814-G-A. GRCh37 (hg19) VCF-style: chr16-226813-G-A.
Identifiers: ClinVar variation 3766899 (VCV003766899.1).